The following is an entry in ClinVar:

ClinVar aggregate classification (germline): Pathogenic (1 of 4 stars; one submission).

Conditions:
Lysosomal acid lipase deficiency. Also called: Acid cholesteryl ester hydrolase deficiency, type 2. Identifiers: Orphanet 275761, MedGen C5574740, MONDO:0800449, MONDO:0010204.

Submission:

Myriad Genetics, Inc.
Classification: Pathogenic for Lysosomal acid lipase deficiency. Last evaluated: 2025-07-05. Review status: criteria provided, single submitter. Criteria: Myriad Autosomal Dominant, Autosomal Recessive and X-Linked Classification Criteria (2023). Collection method: clinical testing. Allele origin: unknown.
Comment: NM_000235.2(LIPA):c.503delT(V168Gfs*12) is expected to be pathogenic in the context of lysosomal acid lipase deficiency. This variant is predicted to lead to an abnormal or absent protein product due to the creation of a premature termination codon in LIPA, a gene where loss-of-function variants are known to be pathogenic. Please note: this variant was assessed in the context of healthy population screening.

NM_000235.4(LIPA):c.503del (p.Val168fs)

Gene: LIPA (lipase A, lysosomal acid type; minus strand). Cytogenetic location: 10q23.31.
Variant type: Deletion.
Coding change: c.503del on transcript NM_000235.4 (MANE Select); coding-DNA position 503, one base deleted (T; older notation c.503delT).
Protein change: p.Val168fs; shifts the reading frame from valine 168.
Molecular consequence: frameshift variant.
Genome position (GRCh38, 1-based): chr10:89,226,930, A deleted on the plus strand (T on the coding strand, the reverse complement: LIPA is on the minus strand). VCF-style (leftmost placement, unchanged base first): chr10-89226929-CA-C. GRCh37 (hg19) VCF-style: chr10-90986686-CA-C.
Other names: c.503del, p.Val168fs (NM_001127605.3, NM_001440818.1, NM_001440819.1 and 16 more transcripts); c.155del, p.Val52fs (NM_001288979.2); c.635del, p.Val212fs (NM_001440836.1); c.524del, p.Val175fs (NM_001440837.1); c.518del, p.Val173fs (NM_001440838.1); c.335del, p.Val112fs (NM_001440839.1); short protein forms V112fs, V168fs, V173fs, V175fs, V212fs, V52fs.
Identifiers: ClinVar variation 5014693 (VCV005014693.1).